The following is an entry in ClinVar:

NM_005475.3(SH2B3):c.1636C>A (p.Pro546Thr)

Gene: SH2B3 (SH2B adaptor protein 3; plus strand). Cytogenetic location: 12q24.12.
Variant type: single nucleotide variant.
Coding change: c.1636C>A on transcript NM_005475.3 (MANE Select); coding-DNA position 1636, C replaced by A.
Protein change: p.Pro546Thr; replaces proline 546 with threonine.
Molecular consequence: missense variant.
Genome position (GRCh38, 1-based): chr12:111,448,210, C>A. VCF-style: chr12-111448210-C-A. GRCh37 (hg19) VCF-style: chr12-111886014-C-A.
Other names: c.1030C>A, p.Pro344Thr (NM_001291424.1); short protein forms P546T, P344T.
Identifiers: ClinVar variation 4164012 (VCV004164012.1).
Genomic context (GRCh38, chr12:111,448,210, plus strand): 5'-TTCCACCTGGTGCCTTCGCCCGAAGAACTGGCCAACAGCCTGCAGCACCTGGAGCATGAG[C>A]CTGTGAATCGAGCCCGGGACTCGGACTACGAAATGGACTCATCCTCCCGGAGCCACCTGC-3'
Protein context (NP_005466.1, residues 536-556): ANSLQHLEHE[Pro546Thr]VNRARDSDYE

ClinVar aggregate classification (germline): Uncertain significance (1 of 4 stars; one submission).

Conditions:
Inborn genetic diseases. Identifiers: MedGen C0950123, MeSH D030342.

gnomAD v4.1: 1 of 1,614,060 alleles (0.000062%); highest among the groups gnomAD compares: Non-Finnish European, 0.000085%; no homozygotes.

Submission:

Ambry Genetics
Classification: Uncertain significance for Inborn genetic diseases. Last evaluated: 2025-08-29. Review status: criteria provided, single submitter. Criteria: Ambry Variant Classification Scheme 2023. Collection method: clinical testing. Allele origin: germline.
Comment: The p.P546T variant (also known as c.1636C>A), located in coding exon 7 of the SH2B3 gene, results from a C to A substitution at nucleotide position 1636. The proline at codon 546 is replaced by threonine, an amino acid with highly similar properties. This amino acid position is conserved. In addition, this alteration is predicted to be tolerated by in silico analysis. Based on the available evidence, the clinical significance of this variant remains unclear.